The following is an entry in ClinVar:

NM_020921.4(NIN):c.5346G>A (p.Met1782Ile)

Gene: NIN (ninein; minus strand). Cytogenetic location: 14q22.1.
Variant type: single nucleotide variant.
Coding change: c.5346G>A on transcript NM_020921.4 (MANE Select); coding-DNA position 5346, G replaced by A.
Protein change: p.Met1782Ile; replaces methionine 1782 with isoleucine.
Molecular consequence: missense variant.
Genome position (GRCh38, 1-based): chr14:50,741,684, C>T on the plus strand (G>A on the coding strand, the complement: NIN is on the minus strand). VCF-style: chr14-50741684-C-T. GRCh37 (hg19) VCF-style: chr14-51208402-C-T.
Other names: c.3207G>A, p.Met1069Ile (NM_016350.5); c.5346G>A, p.Met1782Ile (NM_182944.3, NM_182946.2); short protein forms M1782I, M1069I.
Identifiers: ClinVar variation 1441496 (VCV001441496.7), dbSNP rs761530134, ClinGen allele CA389679700.
Genomic context (GRCh38, chr14:50,741,684, plus strand): 5'-TTCTTGTTTTAAAGCCTCCTTTTCCTGCTGAGTCACTCGTAGGTCAGATTTCATCCGGGA[C>T]ATTTGCAGGTTTACATTCTGCACGGTGTCTTCTAAATTCTGAACCTGTATTGTGAGAATG-3'
Protein context (NP_065972.4, residues 1772-1792): EDTVQNVNLQ[Met1782Ile]SRMKSDLRVT

ClinVar aggregate classification (germline): Uncertain significance. Review status: criteria provided, multiple submitters, no conflicts (2 of 4 stars). 2 submissions from 2 submitters: Uncertain significance (2). Last evaluated 2025-06-27.

Allele frequency attached by ClinVar (database versions not stated): TOPMed below 0.00001.

Submissions (2):

Labcorp Genetics (formerly Invitae), Labcorp
Classification: Uncertain significance. Last evaluated: 2025-06-27. Review status: criteria provided, single submitter. Criteria: Invitae Variant Classification Sherloc (09022015). Collection method: clinical testing. Allele origin: germline.
Comment: This sequence change replaces methionine, which is neutral and non-polar, with isoleucine, which is neutral and non-polar, at codon 1782 of the NIN protein (p.Met1782Ile). This variant is not present in population databases (gnomAD no frequency). This variant has not been reported in the literature in individuals affected with NIN-related conditions. ClinVar contains an entry for this variant (Variation ID: 1441496). An algorithm developed to predict the effect of missense changes on protein structure and function (PolyPhen-2) suggests that this variant is likely to be tolerated. In summary, the available evidence is currently insufficient to determine the role of this variant in disease. Therefore, it has been classified as a Variant of Uncertain Significance.

Breakthrough Genomics
Classification: Uncertain significance. Review status: criteria provided, single submitter. Criteria: ACMG Guidelines, 2015. Collection method: not provided. Allele origin: germline. Inheritance: Autosomal recessive inheritance. Affected: yes.